The following is an entry in ClinVar:

NM_000070.3(CAPN3):c.2456T>C (p.Met819Thr)

Gene: CAPN3 (calpain 3; plus strand). Cytogenetic location: 15q15.1.
Variant type: single nucleotide variant.
Coding change: c.2456T>C on transcript NM_000070.3 (MANE Select); coding-DNA position 2456, T replaced by C.
Protein change: p.Met819Thr; replaces methionine 819 with threonine.
Molecular consequence: missense variant.
Genome position (GRCh38, 1-based): chr15:42,411,763, T>C. VCF-style: chr15-42411763-T-C. GRCh37 (hg19) VCF-style: chr15-42703961-T-C.
Other names: c.2438T>C, p.Met813Thr (NM_024344.2); c.2180T>C, p.Met727Thr (NM_173087.2); c.920T>C, p.Met307Thr (NM_173088.2); c.461T>C, p.Met154Thr (NM_173089.2, NM_173090.2); short protein forms M154T, M307T, M727T, M813T, M819T.
Identifiers: ClinVar variation 4087721 (VCV004087721.1).

ClinVar aggregate classification (germline): Uncertain significance (1 of 4 stars; one submission).

Conditions:
Autosomal recessive limb-girdle muscular dystrophy type 2A (LGMDR1). Also called: LEYDEN-MOEBIUS MUSCULAR DYSTROPHY; MUSCULAR DYSTROPHY, PELVOFEMORAL; Limb-girdle muscular dystrophy, type 2A; Calpainopathy; Muscular dystrophy, limb-girdle, type 2A, Amish. Identifiers: Orphanet 267, MedGen C1869123, MONDO:0009675, OMIM 253600. Disease mechanism: loss of function.

Submission:

Concord Molecular Medicine Laboratory, Concord Repatriation General Hospital
Classification: Uncertain significance for Autosomal recessive limb-girdle muscular dystrophy type 2A. Last evaluated: 2025-09-11. Review status: criteria provided, single submitter. Criteria: ACMG Guidelines, 2015. Collection method: clinical testing. Allele origin: germline. Inheritance: Autosomal recessive inheritance. Affected: yes.
Comment: This is a rare variant observed at very low frequency in control population (a single heterozygote observed in gnomAD v4.1.0; PM2_supporting). This missense variant predicts an amino acid change from methionine to threonine at position 819 of the calpain 3 protein, p.(Met819Thr). This amino acid is located within the functional EF-hand protein domain (IPR002048). In silico analysis suggested this variant to be pathogenic (REVEL 0.873; PP3_moderate).